The following is an entry in ClinVar:

ClinVar aggregate classification (germline): Uncertain significance (1 of 4 stars; one submission).

Conditions:
Familial cold autoinflammatory syndrome 4 (FCAS4). Identifiers: Orphanet 47045, Orphanet 576349, MedGen C4015276, MONDO:0014498, OMIM 616115.
Periodic fever-infantile enterocolitis-autoinflammatory syndrome. Also called: Autoinflammation with infantile enterocolitis. Identifiers: Orphanet 436166, MedGen C4015067, MONDO:0014472, OMIM 616050.

Allele frequency attached by ClinVar (database versions not stated): gnomAD exomes 0.00001; TOPMed 0.00001.
gnomAD v4.1: 4 of 1,610,884 alleles (0.00025%); highest among the groups gnomAD compares: Admixed American, 0.0017%; no homozygotes.

Submission:

Labcorp Genetics (formerly Invitae), Labcorp
Classification: Uncertain significance for Periodic fever-infantile enterocolitis-autoinflammatory syndrome; Familial cold autoinflammatory syndrome 4. Last evaluated: 2022-01-07. Review status: criteria provided, single submitter. Criteria: Invitae Variant Classification Sherloc (09022015). Collection method: clinical testing. Allele origin: germline.
Comment: This sequence change replaces serine, which is neutral and polar, with asparagine, which is neutral and polar, at codon 851 of the NLRC4 protein (p.Ser851Asn). This variant is present in population databases (no rsID available, gnomAD 0.003%). This variant has not been reported in the literature in individuals affected with NLRC4-related conditions. Algorithms developed to predict the effect of missense changes on protein structure and function (SIFT, PolyPhen-2, Align-GVGD) all suggest that this variant is likely to be tolerated. In summary, the available evidence is currently insufficient to determine the role of this variant in disease. Therefore, it has been classified as a Variant of Uncertain Significance.

NM_001199138.2(NLRC4):c.2552G>A (p.Ser851Asn)

Gene: NLRC4 (NLR family CARD domain containing 4; minus strand). Cytogenetic location: 2p22.3.
Variant type: single nucleotide variant.
Coding change: c.2552G>A on transcript NM_001199138.2 (MANE Select); coding-DNA position 2552, G replaced by A.
Protein change: p.Ser851Asn; replaces serine 851 with asparagine.
Molecular consequence: missense variant.
Genome position (GRCh38, 1-based): chr2:32,236,309, C>T on the plus strand (G>A on the coding strand, the complement: NLRC4 is on the minus strand). VCF-style: chr2-32236309-C-T. GRCh37 (hg19) VCF-style: chr2-32461378-C-T.
Other names: c.2552G>A, p.Ser851Asn (NM_001199139.2, NM_021209.5); c.557G>A, p.Ser186Asn (NM_001302504.2); short protein forms S186N, S851N.
Identifiers: ClinVar variation 1899631 (VCV001899631.5), dbSNP rs1404435960, ClinGen allele CA346521165.